The following is an entry in ClinVar:

ClinVar aggregate classification (germline): Uncertain significance. Review status: criteria provided, multiple submitters, no conflicts (2 of 4 stars). 2 submissions from 2 submitters: Uncertain significance (2). Last evaluated 2025-01-24.

Allele frequency attached by ClinVar (database versions not stated): gnomAD exomes 0.00003 and 0.00008; gnomAD 0.00029 and 0.00025; ExAC 0.00007; ESP Exome Variant Server 0.00031; TOPMed 0.00032; 1000 Genomes Project 30x 0.00031; 1000 Genomes Project 0.00020.
gnomAD v4.1: 88 of 1,613,710 alleles (0.0055%); highest among the groups gnomAD compares: African/African-American, 0.11%; no homozygotes.

Submissions (2):

Ambry Genetics
Classification: Uncertain significance. Last evaluated: 2025-01-24. Review status: criteria provided, single submitter. Criteria: Ambry Variant Classification Scheme 2023. Collection method: clinical testing. Allele origin: germline.

Labcorp Genetics (formerly Invitae), Labcorp
Classification: Uncertain significance. Last evaluated: 2024-10-26. Review status: criteria provided, single submitter. Criteria: Invitae Variant Classification Sherloc (09022015). Collection method: clinical testing. Allele origin: germline.
Comment: This sequence change replaces serine, which is neutral and polar, with alanine, which is neutral and non-polar, at codon 633 of the GEN1 protein (p.Ser633Ala). This variant is present in population databases (rs145621452, gnomAD 0.1%), and has an allele count higher than expected for a pathogenic variant. This variant has not been reported in the literature in individuals affected with GEN1-related conditions. ClinVar contains an entry for this variant (Variation ID: 851071). An algorithm developed to predict the effect of missense changes on protein structure and function (PolyPhen-2) suggests that this variant is likely to be tolerated. In summary, the available evidence is currently insufficient to determine the role of this variant in disease. Therefore, it has been classified as a Variant of Uncertain Significance.

NM_001130009.3(GEN1):c.1897T>G (p.Ser633Ala)

Gene: GEN1 (GEN1 structure-specific endonuclease; plus strand). Cytogenetic location: 2p24.2.
Variant type: single nucleotide variant.
Coding change: c.1897T>G on transcript NM_001130009.3 (MANE Select); coding-DNA position 1897, T replaced by G.
Protein change: p.Ser633Ala; replaces serine 633 with alanine.
Molecular consequence: missense variant.
Genome position (GRCh38, 1-based): chr2:17,781,109, T>G. VCF-style: chr2-17781109-T-G. GRCh37 (hg19) VCF-style: chr2-17962376-T-G.
Other names: c.1897T>G (NM_001130009.1); c.1897T>G, p.Ser633Ala (NM_182625.5); short protein forms S633A.
Identifiers: ClinVar variation 851071 (VCV000851071.11), dbSNP rs145621452, ClinGen allele CA1540850.